The following is an entry in ClinVar:

ClinVar aggregate classification (germline): Pathogenic/Likely pathogenic. Review status: criteria provided, multiple submitters, no conflicts (2 of 4 stars). 8 submissions from 8 submitters: Pathogenic (4); Likely pathogenic (1). 3 of the submissions do not count toward it. Last evaluated 2025-06-11.

Conditions:
Niemann-Pick disease, type C (NPC). Identifiers: Orphanet 646, MedGen C0220756, MONDO:0018982.
Niemann-Pick disease, type C1. Also called: NIEMANN-PICK DISEASE, VARIANT TYPE C1; NEUROVISCERAL STORAGE DISEASE WITH VERTICAL SUPRANUCLEAR OPHTHALMOPLEGIA; NIEMANN-PICK DISEASE WITH CHOLESTEROL ESTERIFICATION BLOCK; NIEMANN-PICK DISEASE WITHOUT SPHINGOMYELINASE DEFICIENCY; NIEMANN-PICK DISEASE, CHRONIC NEURONOPATHIC FORM. Identifiers: Orphanet 646, MedGen C3179455, MONDO:0009757, OMIM 257220.
Abnormality of metabolism/homeostasis. Identifiers: MedGen C4021768, HP:0001939.

Allele frequency attached by ClinVar (database versions not stated): ExAC 0.00001; gnomAD 0.00001; gnomAD exomes 0.00001; TOPMed 0.00001.
gnomAD v4.1: 10 of 1,614,080 alleles (0.00062%); highest among the groups gnomAD compares: Non-Finnish European, 0.00085%; no homozygotes.

Submissions (8):

GeneDx
Classification: Pathogenic. Last evaluated: 2025-06-11. Review status: criteria provided, single submitter. Criteria: GeneDx Variant Classification Process June 2021. Collection method: clinical testing. Allele origin: germline. Affected: yes.
Comment: Published functional studies demonstrate a damaging effect on NPC1 folding, trafficking, and degradation, and a resistance to edelfosine (PMID: 16138904, 23430855); Not observed at significant frequency in large population cohorts (gnomAD); In silico analysis supports that this missense variant has a deleterious effect on protein structure/function; This variant is associated with the following publications: (PMID: 19252935, 19206179, 28332184, 16138904, 22704015, 22676771, 27581084, 30548430, 28550066, 32138288, 35892469, 38374194, 23430855, 12955717)

Labcorp Genetics (formerly Invitae), Labcorp
Classification: Pathogenic for Niemann-Pick disease, type C1. Last evaluated: 2024-02-19. Review status: criteria provided, single submitter. Criteria: Invitae Variant Classification Sherloc (09022015). Collection method: clinical testing. Allele origin: germline.
Comment: This sequence change replaces threonine, which is neutral and polar, with lysine, which is basic and polar, at codon 1205 of the NPC1 protein (p.Thr1205Lys). This variant is present in population databases (rs758902805, gnomAD 0.0009%). This missense change has been observed in individual(s) with Niemann-Pick Type C (PMID: 12955717, 22676771, 23430855, 27581084). ClinVar contains an entry for this variant (Variation ID: 188747). Advanced modeling of protein sequence and biophysical properties (such as structural, functional, and spatial information, amino acid conservation, physicochemical variation, residue mobility, and thermodynamic stability) performed at Invitae indicates that this missense variant is expected to disrupt NPC1 protein function with a positive predictive value of 95%. Experimental studies have shown that this missense change affects NPC1 function (PMID: 16138904). This variant disrupts the p.Thr1205 amino acid residue in NPC1. Other variant(s) that disrupt this residue have been determined to be pathogenic (PMID: 11182931, 22676771, 25236789). This suggests that this residue is clinically significant, and that variants that disrupt this residue are likely to be disease-causing. For these reasons, this variant has been classified as Pathogenic.

Women's Health and Genetics/Laboratory Corporation of America, LabCorp
Classification: Pathogenic for Niemann-Pick disease, type C. Last evaluated: 2021-12-30. Review status: criteria provided, single submitter. Criteria: LabCorp Variant Classification Summary - May 2015. Collection method: clinical testing. Allele origin: germline.
Comment: Variant summary: NPC1 c.3614C>A (p.Thr1205Lys) results in a non-conservative amino acid change in the encoded protein sequence. Five of five in-silico tools predict a damaging effect of the variant on protein function. The variant allele was found at a frequency of 8e-06 in 251456 control chromosomes (gnomAD). c.3614C>A has been reported in the literature in multiple compound heterozygous individuals affected with Niemann-Pick Disease Type C (examples: Fancello_2009, Hron_2012, Di Rocco_2012 and Jahnova_2014). These data indicate that the variant is associated with disease. One publication reports experimental evidence evaluating a reduction in protein expression using compound heterozygous individul's fibroblast cells (Zampieri_2013). Three clinical diagnostic laboratories have submitted clinical-significance assessments for this variant to ClinVar after 2014 and classified the variant as pathogenic (n=2) and likely pathogenic (n=1). Based on the evidence outlined above, the variant was classified as pathogenic.

Kariminejad - Najmabadi Pathology & Genetics Center
Classification: Pathogenic for Abnormality of metabolism/homeostasis. Last evaluated: 2021-07-10. Review status: criteria provided, single submitter. Criteria: ACMG Guidelines, 2015. Collection method: clinical testing. Allele origin: germline.

Eurofins Ntd Llc (ga)
Classification: Likely pathogenic. Last evaluated: 2016-01-29. Review status: criteria provided, single submitter. Criteria: EGL Classification Definitions 2015. Collection method: clinical testing. Allele origin: germline. Observed: 1 variant allele, 1 heterozygote.

Counsyl
Classification: Likely pathogenic for Niemann-Pick disease type C1. Last evaluated: 2014-04-07. Review status: no assertion criteria provided. Collection method: literature only. Allele origin: unknown. Inheritance: Autosomal recessive inheritance. Not counted in ClinVar's aggregate classification.

Clinical Genetics DNA and cytogenetics Diagnostics Lab, Erasmus MC, Erasmus Medical Center
Classification: Pathogenic. Review status: no assertion criteria provided. Collection method: clinical testing. Allele origin: germline. Affected: yes. Study: VKGL Data-share Consensus. Not counted in ClinVar's aggregate classification.

Joint Genome Diagnostic Labs from Nijmegen and Maastricht, Radboudumc and MUMC+
Classification: Pathogenic. Review status: no assertion criteria provided. Collection method: clinical testing. Allele origin: germline. Affected: yes. Study: VKGL Data-share Consensus. Not counted in ClinVar's aggregate classification.

Literature cited by the submitters: PubMed 12955717 (cited by 3 submitters); PubMed 22676771 (cited by 3 submitters); PubMed 23430855 (cited by 3 submitters); PubMed 27581084 (cited by Labcorp Genetics (formerly Invitae), Labcorp); PubMed 16138904 (cited by Labcorp Genetics (formerly Invitae), Labcorp); PubMed 11182931 (cited by Labcorp Genetics (formerly Invitae), Labcorp); PubMed 25236789 (cited by Labcorp Genetics (formerly Invitae), Labcorp and Women's Health and Genetics/Laboratory Corporation of America, LabCorp); PubMed 19252935 (cited by Women's Health and Genetics/Laboratory Corporation of America, LabCorp and Counsyl); PubMed 22704015 (cited by Women's Health and Genetics/Laboratory Corporation of America, LabCorp and Counsyl); PubMed 19206179 (cited by Counsyl).

NM_000271.5(NPC1):c.3614C>A (p.Thr1205Lys)

Gene: NPC1 (NPC intracellular cholesterol transporter 1; minus strand). Cytogenetic location: 18q11.2.
Variant type: single nucleotide variant.
Coding change: c.3614C>A on transcript NM_000271.5 (MANE Select); coding-DNA position 3614, C replaced by A.
Protein change: p.Thr1205Lys; replaces threonine 1205 with lysine.
Molecular consequence: missense variant.
Genome position (GRCh38, 1-based): chr18:23,533,495, G>T on the plus strand (C>A on the coding strand, the complement: NPC1 is on the minus strand). VCF-style: chr18-23533495-G-T. GRCh37 (hg19) VCF-style: chr18-21113459-G-T.
Other names: short protein forms T1205K.
Identifiers: ClinVar variation 188747 (VCV000188747.40), dbSNP rs758902805, ClinGen allele CA273905.